The following is an entry in ClinVar:

NM_000487.6(ARSA):c.854+82G>A

Gene: ARSA (arylsulfatase A; minus strand). Cytogenetic location: 22q13.33.
Variant type: single nucleotide variant.
Coding change: c.854+82G>A on transcript NM_000487.6 (MANE Select); 82 bases into the intron after coding-DNA position 854, G replaced by A.
Molecular consequence: intron variant.
Genome position (GRCh38, 1-based): chr22:50,626,509, C>T on the plus strand (G>A on the coding strand, the complement: ARSA is on the minus strand). VCF-style: chr22-50626509-C-T. GRCh37 (hg19) VCF-style: chr22-51064937-C-T.
Other names: c.596+82G>A (NM_001362782.2, NM_001085428.3); c.854+82G>A (NM_001085427.3, NM_001085426.3, NM_001085425.3).
Identifiers: ClinVar variation 2576128 (VCV002576128.3), dbSNP rs779275537, ClinGen allele CA325531433.

ClinVar aggregate classification (germline): Uncertain significance. Review status: criteria provided, multiple submitters, no conflicts (2 of 4 stars). 2 submissions from 2 submitters: Uncertain significance (2). Last evaluated 2025-08-28.

Conditions:
Metachromatic leukodystrophy (MLD). Also called: ARSA DEFICIENCY; CEREBROSIDE SULFATASE DEFICIENCY; METACHROMATIC LEUKOENCEPHALOPATHY; SULFATIDE LIPIDOSIS; Cerebral sclerosis diffuse metachromatic form; Arylsulfatase A Deficiency. Identifiers: Orphanet 512, MedGen C0023522, MONDO:0018868, OMIM 250100.

Allele frequency attached by ClinVar (database versions not stated): TOPMed 0.00043; gnomAD exomes 0.00087; gnomAD 0.00043.

Submissions (2):

3billion
Classification: Uncertain significance for Metachromatic leukodystrophy. Last evaluated: 2025-08-28. Review status: criteria provided, single submitter. Criteria: ACMG Guidelines, 2015. Collection method: clinical testing. Allele origin: germline. Affected: yes.
Comment: The variant is observed at an extremely low frequency in the gnomAD v4.1.0 dataset (total allele frequency: 0.082%). Predicted Consequence/Location: Canonical splice site: predicted to alter splicing and result in a loss or disruption of normal protein function. Multiple pathogenic loss-of-function variants are reported downstream of the variant. In silico tools predict the variant to alter splicing and produce an abnormal transcript [SpliceAI: 0.84 (spliceogenicity >=0.2, non-spliceogenicity <0.1)]. The variant has been reported at least twice as pathogenic with clinical assertions and evidence for the classification (ClinVar ID: VCV000003051 /PMID: 1670590 /3billion dataset). Therefore, this variant is classified as Pathogenic according to the recommendation of ACMG/AMP guideline.

Institute for Clinical Genetics, University Hospital TU Dresden, University Hospital TU Dresden
Classification: Uncertain significance. Last evaluated: 2023-05-03. Review status: criteria provided, single submitter. Criteria: ACMG Guidelines, 2015. Collection method: clinical testing. Allele origin: paternal.
Comment: PM2_SUP